The following is an entry in ClinVar:

NM_001267550.2(TTN):c.57848-5C>T

Genes: TTN-AS1 (TTN antisense RNA 1; plus strand), TTN (titin; minus strand). Cytogenetic location: 2q31.2.
Variant type: single nucleotide variant.
Coding change: c.57848-5C>T on transcript NM_001267550.2 (MANE Select); 5 bases into the intron before coding-DNA position 57848, C replaced by T.
Molecular consequence: intron variant.
Genome position (GRCh38, 1-based): chr2:178,594,651, G>A on the plus strand (C>T on the coding strand, the complement: TTN is on the minus strand). VCF-style: chr2-178594651-G-A. GRCh37 (hg19) VCF-style: chr2-179459378-G-A.
Other names: c.30653-5C>T (NM_003319.4); c.31229-5C>T (NM_133437.4); c.31028-5C>T (NM_133432.3); c.50144-5C>T (NM_133378.4); c.52925-5C>T (NM_001256850.1).
Identifiers: ClinVar variation 1113071 (VCV001113071.11), dbSNP rs764245090, ClinGen allele CA1992977.

ClinVar aggregate classification (germline): Conflicting classifications of pathogenicity. Review status: criteria provided, conflicting classifications (1 of 4 stars). 3 submissions from 3 submitters: Uncertain significance (2); Likely benign (1). Last evaluated 2026-02-01.

Conditions:
Cardiomyopathy (CMYO). Also called: Cardiomyopathies. Identifiers: Orphanet 167848, MedGen C0878544, MONDO:0004994, HP:0001638. Inheritance: Various modes of inheritance.
Cardiovascular phenotype. Identifiers: MedGen CN230736.
Autosomal recessive limb-girdle muscular dystrophy type 2J (LGMDR10). Also called: MUSCULAR DYSTROPHY, LIMB-GIRDLE, AUTOSOMAL RECESSIVE 10; Limb-girdle muscular dystrophy, type 2J. Identifiers: Orphanet 140922, MedGen C1837342, MONDO:0012127, OMIM 608807.
Dilated cardiomyopathy 1G (CMD1G). Identifiers: Orphanet 154, MedGen C1858763, MONDO:0011400, OMIM 604145.

Allele frequency attached by ClinVar (database versions not stated): gnomAD 0.00001 and 0.00002; gnomAD exomes 0.00002; TOPMed 0.00002; ExAC 0.00003.
gnomAD v4.1: 31 of 1,584,270 alleles (0.002%); highest among the groups gnomAD compares: South Asian, 0.0081%; no homozygotes.

Submissions (3):

Labcorp Genetics (formerly Invitae), Labcorp
Classification: Likely benign for Dilated cardiomyopathy 1G; Autosomal recessive limb-girdle muscular dystrophy type 2J. Last evaluated: 2026-02-01. Review status: criteria provided, single submitter. Criteria: Invitae Variant Classification Sherloc (09022015). Collection method: clinical testing. Allele origin: germline.

Ambry Genetics
Classification: Uncertain significance for Cardiovascular phenotype. Last evaluated: 2025-10-09. Review status: criteria provided, single submitter. Criteria: Ambry Variant Classification Scheme 2023. Collection method: clinical testing. Allele origin: germline.
Comment: The c.30653-5C>T intronic variant results from a C to T substitution 5 nucleotides upstream from coding exon 123 in the TTN gene. This nucleotide position is poorly conserved in available vertebrate species. In silico splice site analysis predicts that this alteration will not have any significant effect on splicing. Based on the available evidence, the clinical significance of this variant remains unclear.

CHEO Genetics Diagnostic Laboratory, Children's Hospital of Eastern Ontario
Classification: Uncertain significance for Cardiomyopathy. Last evaluated: 2021-08-30. Review status: criteria provided, single submitter. Criteria: ACMG Guidelines, 2015. Collection method: clinical testing. Allele origin: germline.